The following is an entry in ClinVar:

NM_002755.4(MAP2K1):c.693+275T>A

Gene: MAP2K1 (mitogen-activated protein kinase kinase 1; plus strand). Cytogenetic location: 15q22.31.
Variant type: single nucleotide variant.
Coding change: c.693+275T>A on transcript NM_002755.4 (MANE Select); 275 bases into the intron after coding-DNA position 693, T replaced by A.
Molecular consequence: intron variant.
Genome position (GRCh38, 1-based): chr15:66,482,154, T>A. VCF-style: chr15-66482154-T-A. GRCh37 (hg19) VCF-style: chr15-66774492-T-A.
Identifiers: ClinVar variation 561896 (VCV000561896.1), dbSNP rs75586043, ClinGen allele CA271671912.

ClinVar aggregate classification (germline): Benign (1 of 4 stars; one submission).

Allele frequency attached by ClinVar (database versions not stated): 1000 Genomes Project 30x 0.01608; gnomAD 0.01626 and 0.01746; 1000 Genomes Project 0.01677; TOPMed 0.01785.
gnomAD v4.1: 2,442 of 152,216 alleles (1.6%); highest among the groups gnomAD compares: African/African-American, 5.6%; 68 homozygotes.

Submission:

GeneDx
Classification: Benign. Last evaluated: 2018-06-19. Review status: criteria provided, single submitter. Criteria: GeneDx Variant Classification (06012015). Collection method: clinical testing. Allele origin: germline. Affected: yes.
Comment: This variant is considered likely benign or benign based on one or more of the following criteria: it is a conservative change, it occurs at a poorly conserved position in the protein, it is predicted to be benign by multiple in silico algorithms, and/or has population frequency not consistent with disease.